The following is an entry in ClinVar:

NM_024598.4(USB1):c.785T>C (p.Met262Thr)

Gene: USB1 (U6 snRNA biogenesis phosphodiesterase 1; plus strand). Cytogenetic location: 16q21.
Variant type: single nucleotide variant.
Coding change: c.785T>C on transcript NM_024598.4 (MANE Select); coding-DNA position 785, T replaced by C.
Protein change: p.Met262Thr; replaces methionine 262 with threonine.
Molecular consequence: missense variant.
Genome position (GRCh38, 1-based): chr16:58,020,232, T>C. VCF-style: chr16-58020232-T-C. GRCh37 (hg19) VCF-style: chr16-58054136-T-C.
Other names: c.731T>C, p.Met244Thr (NM_001195302.2); c.632T>C, p.Met211Thr (NM_001330568.2); short protein forms M211T, M244T, M262T.
Identifiers: ClinVar variation 2417047 (VCV002417047.7), dbSNP rs1207372145, ClinGen allele CA396130476.

ClinVar aggregate classification (germline): Uncertain significance. Review status: criteria provided, multiple submitters, no conflicts (2 of 4 stars). 2 submissions from 2 submitters: Uncertain significance (2). Last evaluated 2025-02-18.

Conditions:
Inborn genetic diseases. Identifiers: MedGen C0950123, MeSH D030342.

Allele frequency attached by ClinVar (database versions not stated): gnomAD exomes below 0.00001.
gnomAD v4.1: 5 of 1,614,212 alleles (0.00031%); highest among the groups gnomAD compares: Admixed American, 0.0017%; no homozygotes.

Submissions (2):

Ambry Genetics
Classification: Uncertain significance for Inborn genetic diseases. Last evaluated: 2025-02-18. Review status: criteria provided, single submitter. Criteria: Ambry Variant Classification Scheme 2023. Collection method: clinical testing. Allele origin: germline.
Comment: The p.M262T variant (also known as c.785T>C), located in coding exon 7 of the USB1 gene, results from a T to C substitution at nucleotide position 785. The methionine at codon 262 is replaced by threonine, an amino acid with similar properties. This amino acid position is conserved. In addition, this alteration is predicted to be tolerated by in silico analysis. Based on the available evidence, the clinical significance of this variant remains unclear.

Labcorp Genetics (formerly Invitae), Labcorp
Classification: Uncertain significance. Last evaluated: 2022-03-12. Review status: criteria provided, single submitter. Criteria: Invitae Variant Classification Sherloc (09022015). Collection method: clinical testing. Allele origin: germline.
Comment: This variant is present in population databases (no rsID available, gnomAD 0.003%). This sequence change replaces methionine, which is neutral and non-polar, with threonine, which is neutral and polar, at codon 262 of the USB1 protein (p.Met262Thr). This variant has not been reported in the literature in individuals affected with USB1-related conditions. Algorithms developed to predict the effect of missense changes on protein structure and function are either unavailable or do not agree on the potential impact of this missense change (SIFT: "Not Available"; PolyPhen-2: "Benign"; Align-GVGD: "Not Available"). In summary, the available evidence is currently insufficient to determine the role of this variant in disease. Therefore, it has been classified as a Variant of Uncertain Significance.